The following is an entry in ClinVar:

NM_021930.6(RINT1):c.581T>C (p.Met194Thr)

Gene: RINT1 (RAD50 interactor 1; plus strand). Cytogenetic location: 7q22.3.
Variant type: single nucleotide variant.
Coding change: c.581T>C on transcript NM_021930.6 (MANE Select); coding-DNA position 581, T replaced by C.
Protein change: p.Met194Thr; replaces methionine 194 with threonine.
Molecular consequence: missense variant. On other transcripts: 5 prime UTR variant (2), non-coding transcript variant (1), intron variant (1).
Genome position (GRCh38, 1-based): chr7:105,546,975, T>C. VCF-style: chr7-105546975-T-C. GRCh37 (hg19) VCF-style: chr7-105187422-T-C.
Other names: c.347T>C, p.Met116Thr (NM_001346599.2); c.-439T>C (NM_001346600.2); c.-342T>C (NM_001346601.2); c.-27-3080T>C (NM_001346603.2); short protein forms M116T, M194T.
Identifiers: ClinVar variation 1007547 (VCV001007547.12), dbSNP rs1037612731, ClinGen allele CA164055203.

ClinVar aggregate classification (germline): Uncertain significance. Review status: criteria provided, multiple submitters, no conflicts (2 of 4 stars). 2 submissions from 2 submitters: Uncertain significance (2). Last evaluated 2025-06-12.

Allele frequency attached by ClinVar (database versions not stated): gnomAD exomes 0.00001; TOPMed 0.00001.

Submissions (2):

Ambry Genetics
Classification: Uncertain significance. Last evaluated: 2025-06-12. Review status: criteria provided, single submitter. Criteria: Ambry Variant Classification Scheme 2023. Collection method: clinical testing. Allele origin: germline.
Comment: The p.M194T variant (also known as c.581T>C), located in coding exon 5 of the RINT1 gene, results from a T to C substitution at nucleotide position 581. The methionine at codon 194 is replaced by threonine, an amino acid with similar properties. This amino acid position is highly conserved in available vertebrate species. In addition, the in silico prediction for this alteration is inconclusive. Since supporting evidence is limited at this time, the clinical significance of this alteration remains unclear.

Labcorp Genetics (formerly Invitae), Labcorp
Classification: Uncertain significance. Last evaluated: 2020-09-23. Review status: criteria provided, single submitter. Criteria: Invitae Variant Classification Sherloc (09022015). Collection method: clinical testing. Allele origin: germline.
Comment: In summary, the available evidence is currently insufficient to determine the role of this variant in disease. Therefore, it has been classified as a Variant of Uncertain Significance. Algorithms developed to predict the effect of missense changes on protein structure and function are either unavailable or do not agree on the potential impact of this missense change (SIFT: "Deleterious"; PolyPhen-2: "Benign"; Align-GVGD: "Class C0"). This variant has not been reported in the literature in individuals with RINT1-related conditions. This variant is not present in population databases (ExAC no frequency). This sequence change replaces methionine with threonine at codon 194 of the RINT1 protein (p.Met194Thr). The methionine residue is highly conserved and there is a moderate physicochemical difference between methionine and threonine.